The following is an entry in ClinVar:

NM_001244008.2(KIF1A):c.3116A>G (p.Gln1039Arg)

Gene: KIF1A (kinesin family member 1A; minus strand). Cytogenetic location: 2q37.3.
Variant type: single nucleotide variant.
Coding change: c.3116A>G on transcript NM_001244008.2 (MANE Select); coding-DNA position 3116, A replaced by G.
Protein change: p.Gln1039Arg; replaces glutamine 1039 with arginine.
Molecular consequence: missense variant.
Genome position (GRCh38, 1-based): chr2:240,746,125, T>C on the plus strand (A>G on the coding strand, the complement: KIF1A is on the minus strand). VCF-style: chr2-240746125-T-C. GRCh37 (hg19) VCF-style: chr2-241685542-T-C.
Other names: c.2840A>G, p.Gln947Arg (NM_001320705.2, NM_001330289.2, NM_001379638.1); c.2915A>G, p.Gln972Arg (NM_001330290.2, NM_001379646.1, NM_001379634.1 and 1 more transcripts); c.3191A>G, p.Gln1064Arg (NM_001379631.1); c.3089A>G, p.Gln1030Arg (NM_001379642.1, NM_001379645.1, NM_001379633.1); c.2888A>G, p.Gln963Arg (NM_001379648.1, NM_001379637.1); c.2813A>G, p.Gln938Arg (NM_001379649.1, NM_001379650.1, NM_001379651.1 and 6 more transcripts); c.3065A>G, p.Gln1022Arg (NM_001379632.1); short protein forms Q1022R, Q1030R, Q1039R, Q1064R, Q938R, Q947R, Q963R, Q972R.
Identifiers: ClinVar variation 4881859 (VCV004881859.2).

ClinVar aggregate classification (germline): Uncertain significance (1 of 4 stars; one submission).

Submission:

Dasa
Classification: Uncertain significance. Last evaluated: 2025-03-27. Review status: criteria provided, single submitter. Criteria: DASA Assertion Criteria. Collection method: clinical testing. Allele origin: germline.
Comment: NM_001244008.2(KIF1A):c.3116A>G (p.Gln1039Arg) is a missense variant that results in the substitution of glutamine with arginine. This variant is rare in population databases. Computational prediction algorithms are consistent with a benign effect. The currently available literature and clinical evidence are not sufficient to establish a definitive association between this variant and the reported condition. Therefore, this variant is classified as a variant of uncertain significance.